The following is an entry in ClinVar:

NM_000089.4(COL1A2):c.604G>C (p.Gly202Arg)

Gene: COL1A2 (collagen type I alpha 2 chain; plus strand). Cytogenetic location: 7q21.3.
Variant type: single nucleotide variant.
Coding change: c.604G>C on transcript NM_000089.4 (MANE Select); coding-DNA position 604, G replaced by C.
Protein change: p.Gly202Arg; replaces glycine 202 with arginine.
Molecular consequence: missense variant.
Genome position (GRCh38, 1-based): chr7:94,407,856, G>C. VCF-style: chr7-94407856-G-C. GRCh37 (hg19) VCF-style: chr7-94037168-G-C.
Other names: short protein forms G202R.
Identifiers: ClinVar variation 2684108 (VCV002684108.2), dbSNP rs72656376, ClinGen allele CA162917426.
Genomic context (GRCh38, chr7:94,407,856, plus strand): 5'-AAAAATAATTGTTATATTTAATGAACAAAAACTCAATCCTTCTCCATGTAGGGTGAACCT[G>C]GTGCCCCTGGTGAAAATGGAACTCCAGGTCAAACAGTAAGTATTGACTACTTCATTGTAA-3'
Protein context (NP_000080.2, residues 192-212): PGAPGVKGEP[Gly202Arg]APGENGTPGQ

ClinVar aggregate classification (germline): Pathogenic. Review status: criteria provided, multiple submitters, no conflicts (2 of 4 stars). 2 submissions from 2 submitters: Pathogenic (2). Last evaluated 2025-08-06.

Submissions (2):

GeneDx
Classification: Pathogenic. Last evaluated: 2025-08-06. Review status: criteria provided, single submitter. Criteria: GeneDx Variant Classification Process June 2021. Collection method: clinical testing. Allele origin: germline. Affected: yes.
Comment: Occurs in the triple helical domain and replaces a glycine in a canonical Gly-X-Y repeat; missense substitution of a canonical glycine residue is expected to disrupt normal protein folding and function, and this is an established mechanism of disease (PMID: 34007986); Not observed at significant frequency in large population cohorts (gnomAD); In silico analysis supports that this missense variant has a deleterious effect on protein structure/function; This variant is associated with the following publications: (PMID: 25742658, 17078022, 34007986, 30942483, 16786509, 26177859)

Athena Diagnostics
Classification: Pathogenic. Last evaluated: 2023-04-11. Review status: criteria provided, single submitter. Criteria: Athena Diagnostics Criteria. Collection method: clinical testing. Allele origin: unknown.
Comment: This variant has been identified in at least one individual with osteogenesis imperfecta. This variant has not been reported in large, multi-ethnic general populations. A majority of pathogenic missense variants in this gene involve the substitution of a glycine residue in the triple-helix domain, resulting in disruption of protein function (PMID: 29632050, 21421911, 19344236).

Literature cited by the submitters: PubMed 16786509 (cited by Athena Diagnostics); PubMed 26177859 (cited by Athena Diagnostics); PubMed 25742658 (cited by Athena Diagnostics).